The following is an entry in ClinVar:

ClinVar aggregate classification (germline): Uncertain significance. Review status: criteria provided, multiple submitters, no conflicts (2 of 4 stars). 2 submissions from 2 submitters: Uncertain significance (2). Last evaluated 2026-03-04.

Conditions:
PLXNA3-related disorder. Also called: PLXNA3-related condition.

Allele frequency attached by ClinVar (database versions not stated): ExAC 0.00001; gnomAD 0.00002; gnomAD exomes 0.00003; TOPMed 0.00003; ESP Exome Variant Server 0.00009.
gnomAD v4.1: 33 of 1,208,566 alleles (0.0027%); highest among the groups gnomAD compares: Middle Eastern, 0.023%; no homozygotes.

Submissions (2):

PreventionGenetics, part of Exact Sciences
Classification: Uncertain significance for PLXNA3-related condition. Last evaluated: 2026-03-04. Review status: criteria provided, single submitter. Criteria: ACMG Guidelines, 2015. Collection method: clinical testing. Allele origin: germline.
Comment: The PLXNA3 c.3182G>A variant is predicted to result in the amino acid substitution p.Arg1061His. To our knowledge, this variant has not been reported in the literature. This variant is reported in 0.014% of alleles in individuals of Ashkenazi Jewish descent in gnomAD. At this time, the clinical significance of this variant is uncertain due to the absence of conclusive functional and genetic evidence.

Ambry Genetics
Classification: Uncertain significance. Last evaluated: 2025-08-01. Review status: criteria provided, single submitter. Criteria: Ambry Variant Classification Scheme 2023. Collection method: clinical testing. Allele origin: germline.

NM_017514.5(PLXNA3):c.3182G>A (p.Arg1061His)

Gene: PLXNA3 (plexin A3; plus strand). Cytogenetic location: Xq28.
Variant type: single nucleotide variant.
Coding change: c.3182G>A on transcript NM_017514.5 (MANE Select); coding-DNA position 3182, G replaced by A.
Protein change: p.Arg1061His; replaces arginine 1061 with histidine.
Molecular consequence: missense variant.
Genome position (GRCh38, 1-based): chrX:154,467,131, G>A. VCF-style: chrX-154467131-G-A. GRCh37 (hg19) VCF-style: chrX-153695474-G-A.
Other names: c.3182G>A (NM_017514.3); short protein forms R1061H.
Identifiers: ClinVar variation 2635808 (VCV002635808.3), dbSNP rs375290922, ClinGen allele CA10564569.